The following is an entry in ClinVar:

ClinVar aggregate classification (germline): Uncertain significance. Review status: criteria provided, multiple submitters, no conflicts (2 of 4 stars). 2 submissions from 2 submitters: Uncertain significance (2). Last evaluated 2024-01-23.

Conditions:
Inborn genetic diseases. Identifiers: MedGen C0950123, MeSH D030342.
Curry-Hall syndrome (WAD). Also called: WEYERS ACRODENTAL DYSOSTOSIS. Identifiers: Orphanet 952, MedGen C0457013, MONDO:0008673, OMIM 193530.
Ellis-van Creveld syndrome (EVC). Also called: EVC-Related Ellis-van Creveld Syndrome; EVC2-Related Ellis-van Creveld Syndrome; MESOECTODERMAL DYSPLASIA; Chondroectodermal dysplasia. Identifiers: Orphanet 289, MedGen C0013903, MONDO:0009162, OMIM 225500.

Allele frequency attached by ClinVar (database versions not stated): gnomAD 0.00001; ExAC 0.00005; ESP Exome Variant Server 0.00008.
gnomAD v4.1: 60 of 1,613,864 alleles (0.0037%); highest among the groups gnomAD compares: Non-Finnish European, 0.0046%; no homozygotes.

Submissions (2):

Ambry Genetics
Classification: Uncertain significance for Inborn genetic diseases. Last evaluated: 2024-01-23. Review status: criteria provided, single submitter. Criteria: Ambry Variant Classification Scheme 2023. Collection method: clinical testing. Allele origin: germline.

Labcorp Genetics (formerly Invitae), Labcorp
Classification: Uncertain significance for Curry-Hall syndrome; Ellis-van Creveld syndrome. Last evaluated: 2024-01-19. Review status: criteria provided, single submitter. Criteria: Invitae Variant Classification Sherloc (09022015). Collection method: clinical testing. Allele origin: germline.
Comment: This sequence change replaces arginine, which is basic and polar, with cysteine, which is neutral and slightly polar, at codon 766 of the EVC2 protein (p.Arg766Cys). This variant is present in population databases (rs376238707, gnomAD 0.007%). This variant has not been reported in the literature in individuals affected with EVC2-related conditions. Algorithms developed to predict the effect of missense changes on protein structure and function output the following: SIFT: "Not Available"; PolyPhen-2: "Benign"; Align-GVGD: "Not Available". The cysteine amino acid residue is found in multiple mammalian species, which suggests that this missense change does not adversely affect protein function. In summary, the available evidence is currently insufficient to determine the role of this variant in disease. Therefore, it has been classified as a Variant of Uncertain Significance.

NM_147127.5(EVC2):c.2296C>T (p.Arg766Cys)

Gene: EVC2 (EvC ciliary complex subunit 2; minus strand). Cytogenetic location: 4p16.2.
Variant type: single nucleotide variant.
Coding change: c.2296C>T on transcript NM_147127.5 (MANE Select); coding-DNA position 2296, C replaced by T.
Protein change: p.Arg766Cys; replaces arginine 766 with cysteine.
Molecular consequence: missense variant.
Genome position (GRCh38, 1-based): chr4:5,622,742, G>A on the plus strand (C>T on the coding strand, the complement: EVC2 is on the minus strand). VCF-style: chr4-5622742-G-A. GRCh37 (hg19) VCF-style: chr4-5624469-G-A.
Other names: c.2056C>T, p.Arg686Cys (NM_001166136.2); c.2296C>T (NM_147127.4); short protein forms R686C, R766C.
Identifiers: ClinVar variation 2924953 (VCV002924953.2), dbSNP rs376238707, ClinGen allele CA2834759.